The following is an entry in ClinVar:

NM_001194998.2(CEP152):c.1321+1G>A

Gene: CEP152 (centrosomal protein 152; minus strand). Cytogenetic location: 15q21.1.
Variant type: single nucleotide variant.
Coding change: c.1321+1G>A on transcript NM_001194998.2 (MANE Select); the canonical splice donor site of the intron after coding-DNA position 1321, G replaced by A.
Molecular consequence: splice donor variant.
Genome position (GRCh38, 1-based): chr15:48,783,972, C>T on the plus strand (G>A on the coding strand, the complement: CEP152 is on the minus strand). VCF-style: chr15-48783972-C-T. GRCh37 (hg19) VCF-style: chr15-49076169-C-T.
Other names: c.1321+1G>A (NM_014985.4).
Identifiers: ClinVar variation 2830916 (VCV002830916.3), dbSNP rs768224127, ClinGen allele CA392354426.

ClinVar aggregate classification (germline): Likely pathogenic (1 of 4 stars; one submission).

Submission:

Labcorp Genetics (formerly Invitae), Labcorp
Classification: Likely pathogenic. Last evaluated: 2023-04-06. Review status: criteria provided, single submitter. Criteria: Invitae Variant Classification Sherloc (09022015). Collection method: clinical testing. Allele origin: germline.
Comment: This sequence change affects a donor splice site in intron 10 of the CEP152 gene. It is expected to disrupt RNA splicing. Variants that disrupt the donor or acceptor splice site typically lead to a loss of protein function (PMID: 16199547), and loss-of-function variants in CEP152 are known to be pathogenic (PMID: 21131973). This variant is not present in population databases (gnomAD no frequency). This variant has not been reported in the literature in individuals affected with CEP152-related conditions. Algorithms developed to predict the effect of sequence changes on RNA splicing suggest that this variant may disrupt the consensus splice site. In summary, the currently available evidence indicates that the variant is pathogenic, but additional data are needed to prove that conclusively. Therefore, this variant has been classified as Likely Pathogenic.

Literature cited by the submitters: PubMed 16199547; PubMed 21131973.